The following is an entry in ClinVar:

ClinVar aggregate classification (germline): Uncertain significance (1 of 4 stars; one submission).

Conditions:
Familial adenomatous polyposis 1 (FAP1). Also called: FAMILIAL ADENOMATOUS POLYPOSIS 1, ATTENUATED; POLYPOSIS, ADENOMATOUS INTESTINAL. Identifiers: MedGen C2713442, MONDO:0021056, OMIM 175100. Disease mechanism: loss of function.

Submission:

Labcorp Genetics (formerly Invitae), Labcorp
Classification: Uncertain significance for Familial adenomatous polyposis 1. Last evaluated: 2024-11-28. Review status: criteria provided, single submitter. Criteria: Invitae Variant Classification Sherloc (09022015). Collection method: clinical testing. Allele origin: germline.
Comment: This variant, c.770_772del, results in the deletion of 1 amino acid(s) of the APC protein (p.Ala257del), but otherwise preserves the integrity of the reading frame. This variant is not present in population databases (gnomAD no frequency). This variant has not been reported in the literature in individuals affected with APC-related conditions. In summary, the available evidence is currently insufficient to determine the role of this variant in disease. Therefore, it has been classified as a Variant of Uncertain Significance.

NM_000038.6(APC):c.770_772del (p.Ala257del)

Gene: APC (APC regulator of Wnt signaling pathway; plus strand). Cytogenetic location: 5q22.2.
Variant type: Deletion.
Coding change: c.770_772del on transcript NM_000038.6 (MANE Select); coding-DNA positions 770 to 772, 3 bases deleted (CTG; older notation c.770_772delCTG).
Protein change: p.Ala257del; deletes alanine 257.
Molecular consequence: 5 prime UTR variant (on NM_001354906.2). On other transcripts: non-coding transcript variant (2).
Genome position (GRCh38, 1-based): chr5:112,801,319-112,801,321, CTG deleted; deleting any 3 consecutive bases within chr5:112,801,317-112,801,321 gives the same sequence; the c. name uses the placement nearest the transcript's 3' end. VCF-style (leftmost placement, unchanged base first): chr5-112801316-ATGC-A. GRCh37 (hg19) VCF-style: chr5-112137013-ATGC-A.
Other names: c.770_772del, p.Ala257del (NM_001127510.3, NM_001354895.2, NM_001354896.2 and 12 more transcripts); c.716_718del, p.Ala239del (NM_001127511.3); c.800_802del, p.Ala267del (NM_001354897.2, NM_001354902.2, NM_001407446.1); c.695_697del, p.Ala232del (NM_001354898.2, NM_001354904.2, NM_001407451.1); c.686_688del, p.Ala229del (NM_001354899.2, NM_001407452.1, NM_001407467.1 and 1 more transcripts); c.593_595del, p.Ala198del (NM_001354900.2, NM_001354901.2, NM_001354905.2 and 1 more transcripts); c.-266_-264del (NM_001354906.2, NM_001407470.1, NM_001407471.1 and 1 more transcripts); short protein forms A232del, A257del, A267del, A229del, A239del, A198del.
Identifiers: ClinVar variation 3726340 (VCV003726340.2).
Genomic context (GRCh38, chr5:112,801,316, plus strand): 5'-TGATGTTAACTCCATCTTAACAGAGGTCATCTCAGAACAAGCATGAAACCGGCTCACATG[ATGC>A]TGAGCGGCAGAATGAAGGTCAAGGAGTGGGAGAAATCAACATGGCAACTTCTGGTAATGG-3'